The following is an entry in ClinVar:

ClinVar aggregate classification (germline): Uncertain significance (1 of 4 stars; one submission).

Allele frequency attached by ClinVar (database versions not stated): TOPMed 0.00001; ExAC 0.00002.
gnomAD v4.1: 18 of 1,613,450 alleles (0.0011%); highest among the groups gnomAD compares: African/African-American, 0.0013%; no homozygotes.

Submission:

Ambry Genetics
Classification: Uncertain significance. Last evaluated: 2023-09-22. Review status: criteria provided, single submitter. Criteria: Ambry Variant Classification Scheme 2023. Collection method: clinical testing. Allele origin: germline.
Comment: The p.V320I variant (also known as c.958G>A), located in coding exon 2 of the EGLN2 gene, results from a G to A substitution at nucleotide position 958. The valine at codon 320 is replaced by isoleucine, an amino acid with highly similar properties. This amino acid position is conserved. In addition, this alteration is predicted to be tolerated by in silico analysis. Since supporting evidence is limited at this time, the clinical significance of this alteration remains unclear.

NM_080732.4(EGLN2):c.958G>A (p.Val320Ile)

Genes: EGLN2 (egl-9 family hypoxia inducible factor 2; plus strand), RAB4B-EGLN2 (RAB4B-EGLN2 readthrough (NMD candidate); plus strand). Cytogenetic location: 19q13.2.
Variant type: single nucleotide variant.
Coding change: c.958G>A on transcript NM_080732.4 (MANE Select); coding-DNA position 958, G replaced by A.
Protein change: p.Val320Ile; replaces valine 320 with isoleucine.
Molecular consequence: missense variant. On other transcripts: non-coding transcript variant (1).
Genome position (GRCh38, 1-based): chr19:40,806,669, G>A. VCF-style: chr19-40806669-G-A. GRCh37 (hg19) VCF-style: chr19-41312574-G-A.
Other names: c.958G>A, p.Val320Ile (NM_053046.4); short protein forms V320I.
Identifiers: ClinVar variation 1767477 (VCV001767477.2), dbSNP rs774710749, ClinGen allele CA9452363.